The following is an entry in ClinVar:

ClinVar aggregate classification (germline): Benign/Likely benign. Review status: criteria provided, multiple submitters, no conflicts (2 of 4 stars). 4 submissions from 4 submitters: Benign (2); Likely benign (1). 1 of the submissions does not count toward it. Last evaluated 2026-01-31.

Conditions:
FRAS1-related disorder. Also called: FRAS1-related condition.

Allele frequency attached by ClinVar (database versions not stated): gnomAD exomes 0.00024 and 0.00081; ExAC 0.00129; ESP Exome Variant Server 0.00227; gnomAD 0.00299 and 0.00322; TOPMed 0.00307; 1000 Genomes Project 0.00379; 1000 Genomes Project 30x 0.00437.
gnomAD v4.1: 745 of 1,365,958 alleles (0.055%); highest among the groups gnomAD compares: African/African-American, 1%; 3 homozygotes.

Submissions (4):

Labcorp Genetics (formerly Invitae), Labcorp
Classification: Benign. Last evaluated: 2026-01-31. Review status: criteria provided, single submitter. Criteria: Invitae Variant Classification Sherloc (09022015). Collection method: clinical testing. Allele origin: germline.

CeGaT Center for Human Genetics Tuebingen
Classification: Likely benign. Last evaluated: 2026-01-01. Review status: criteria provided, single submitter. Criteria: CeGaT Center For Human Genetics Tuebingen Variant Classification Criteria Version 2. Collection method: clinical testing. Allele origin: germline. Affected: yes. Observed: 1 variant allele.
Comment: FRAS1: BS1

Breakthrough Genomics
Classification: Benign. Review status: criteria provided, single submitter. Criteria: ACMG Guidelines, 2015. Collection method: not provided. Allele origin: germline. Inheritance: Autosomal recessive inheritance. Affected: yes.

PreventionGenetics, part of Exact Sciences
Classification: Benign for FRAS1-related condition. Last evaluated: 2019-06-20. Review status: no assertion criteria provided. Collection method: clinical testing. Allele origin: germline. Not counted in ClinVar's aggregate classification.
Comment: This variant is classified as benign based on ACMG/AMP sequence variant interpretation guidelines (Richards et al. 2015 PMID: 25741868, with internal and published modifications).

NM_025074.7(FRAS1):c.12039A>G (p.Ter4013=)

Gene: FRAS1 (Fraser extracellular matrix complex subunit 1; plus strand). Cytogenetic location: 4q21.21.
Variant type: single nucleotide variant.
Coding change: c.12039A>G on transcript NM_025074.7 (MANE Select); coding-DNA position 12039, A replaced by G.
Protein change: p.Ter4013=.
Molecular consequence: synonymous variant.
Genome position (GRCh38, 1-based): chr4:78,541,124, A>G. VCF-style: chr4-78541124-A-G. GRCh37 (hg19) VCF-style: chr4-79462278-A-G.
Identifiers: ClinVar variation 698200 (VCV000698200.17), dbSNP rs61734892, ClinGen allele CA2979356.